The following is an entry in ClinVar:

ClinVar aggregate classification (germline): Benign. Review status: criteria provided, multiple submitters, no conflicts (2 of 4 stars). 6 submissions from 6 submitters: Benign (5). 1 of the submissions does not count toward it. Last evaluated 2026-02-01.

Conditions:
SLC2A9-related disorder. Also called: SLC2A9-related condition.
Hypouricemia, renal, 2. Also called: HYPOURICEMIA, RENAL, 2, AUTOSOMAL DOMINANT; HYPOURICEMIA, RENAL, 2, AUTOSOMAL RECESSIVE. Identifiers: MedGen C2677549, MONDO:0012793, OMIM 612076.

Allele frequency attached by ClinVar (database versions not stated): gnomAD 0.00888 and 0.00866; gnomAD exomes 0.00946 and 0.01225; ExAC 0.01005; ESP Exome Variant Server 0.01007; 1000 Genomes Project 0.00319; 1000 Genomes Project 30x 0.00328; TOPMed 0.00742.
gnomAD v4.1: 19,125 of 1,614,106 alleles (1.2%); highest among the groups gnomAD compares: Non-Finnish European, 1.4%; 133 homozygotes.

Submissions (6):

Labcorp Genetics (formerly Invitae), Labcorp
Classification: Benign. Last evaluated: 2026-02-01. Review status: criteria provided, single submitter. Criteria: Invitae Variant Classification Sherloc (09022015). Collection method: clinical testing. Allele origin: germline.

CeGaT Center for Human Genetics Tuebingen
Classification: Benign. Last evaluated: 2025-09-01. Review status: criteria provided, single submitter. Criteria: CeGaT Center For Human Genetics Tuebingen Variant Classification Criteria Version 2. Collection method: clinical testing. Allele origin: germline. Affected: yes. Observed: 3 variant alleles.
Comment: SLC2A9: BP4, BS1, BS2

Mayo Clinic Laboratories, Mayo Clinic
Classification: Benign. Last evaluated: 2025-05-19. Review status: criteria provided, single submitter. Criteria: ACMG Guidelines, 2015. Collection method: clinical testing. Allele origin: germline. Observed: 2 variant alleles.
Comment: BS1, BS2, BP4_moderate

Illumina Laboratory Services, Illumina
Classification: Benign for Hypouricemia, renal, 2. Last evaluated: 2018-01-12. Review status: criteria provided, single submitter. Criteria: ICSL Variant Classification Criteria 13 December 2019. Collection method: clinical testing. Allele origin: germline.
Comment: This variant was observed in the ICSL laboratory as part of a predisposition screen in an ostensibly healthy population. It had not been previously curated by ICSL or reported in the Human Gene Mutation Database (HGMD: prior to June 1st, 2018), and was therefore a candidate for classification through an automated scoring system. Utilizing variant allele frequency, disease prevalence and penetrance estimates, and inheritance mode, an automated score was calculated to assess if this variant is too frequent to cause the disease. Based on the score and internal cut-off values, a variant classified as benign is not then subjected to further curation. The score for this variant resulted in a classification of benign for this disease.

Breakthrough Genomics
Classification: Benign. Review status: criteria provided, single submitter. Criteria: ACMG Guidelines, 2015. Collection method: not provided. Allele origin: germline. Inheritance: Autosomal dominant inheritance. Affected: yes.

PreventionGenetics, part of Exact Sciences
Classification: Benign for SLC2A9-related condition. Last evaluated: 2019-05-23. Review status: no assertion criteria provided. Collection method: clinical testing. Allele origin: germline. Not counted in ClinVar's aggregate classification.
Comment: This variant is classified as benign based on ACMG/AMP sequence variant interpretation guidelines (Richards et al. 2015 PMID: 25741868, with internal and published modifications).

NM_020041.3(SLC2A9):c.824C>T (p.Thr275Met)

Gene: SLC2A9 (solute carrier family 2 member 9; minus strand). Cytogenetic location: 4p16.1.
Variant type: single nucleotide variant.
Coding change: c.824C>T on transcript NM_020041.3 (MANE Select); coding-DNA position 824, C replaced by T.
Protein change: p.Thr275Met; replaces threonine 275 with methionine.
Molecular consequence: missense variant.
Genome position (GRCh38, 1-based): chr4:9,920,563, G>A on the plus strand (C>T on the coding strand, the complement: SLC2A9 is on the minus strand). VCF-style: chr4-9920563-G-A. GRCh37 (hg19) VCF-style: chr4-9922187-G-A.
Other names: c.737C>T, p.Thr246Met (NM_001001290.2); short protein forms T246M, T275M.
Identifiers: ClinVar variation 350218 (VCV000350218.35), dbSNP rs112404957, ClinGen allele CA2857064.